The following is an entry in ClinVar:

NC_000011.9:g.(?_17542873)_(17548898_?)del

Gene: USH1C (USH1 protein network component harmonin; minus strand). Cytogenetic location: 11p15.1.
Variant type: Deletion.
Identifiers: ClinVar variation 3244764 (VCV003244764.1).

ClinVar aggregate classification (germline): Pathogenic (1 of 4 stars; one submission).

Submission:

Labcorp Genetics (formerly Invitae), Labcorp
Classification: Pathogenic. Last evaluated: 2023-08-02. Review status: criteria provided, single submitter. Criteria: Invitae Variant Classification Sherloc (09022015). Collection method: clinical testing. Allele origin: unknown.
Comment: For these reasons, this variant has been classified as Pathogenic. This variant has not been reported in the literature in individuals affected with USH1C-related conditions. This variant is a gross deletion of the genomic region encompassing exon(s) 5-13 of the USH1C gene. This deletion is out-of-frame, and is expected to create a premature termination codon and result in an absent or disrupted protein product. Loss-of-function variants in USH1C are known to be pathogenic (PMID: 10973247, 17407589, 20301442, 21203349).

Literature cited by the submitters: PubMed 10973247; PubMed 17407589; PubMed 20301442; PubMed 21203349.